The following is an entry in ClinVar:

ClinVar aggregate classification (germline): Benign/Likely benign. Review status: criteria provided, multiple submitters, no conflicts (2 of 4 stars). 4 submissions from 4 submitters: Benign (3); Likely benign (1). Last evaluated 2026-01-25.

Allele frequency attached by ClinVar (database versions not stated): gnomAD exomes 0.00016 and 0.00041; ESP Exome Variant Server 0.00072; gnomAD 0.00140 and 0.00148; ExAC 0.00144; TOPMed 0.00162; 1000 Genomes Project 30x 0.00203; 1000 Genomes Project 0.00240.
gnomAD v4.1: 447 of 1,550,524 alleles (0.029%); highest among the groups gnomAD compares: African/African-American, 0.54%; 1 homozygote.

Submissions (4):

Labcorp Genetics (formerly Invitae), Labcorp
Classification: Benign. Last evaluated: 2026-01-25. Review status: criteria provided, single submitter. Criteria: Invitae Variant Classification Sherloc (09022015). Collection method: clinical testing. Allele origin: germline.

Blueprint Genetics
Classification: Likely benign. Last evaluated: 2024-11-01. Review status: criteria provided, single submitter. Criteria: ACMG Guidelines, 2015. Collection method: clinical testing. Allele origin: germline.

Mayo Clinic Laboratories, Mayo Clinic
Classification: Benign. Last evaluated: 2024-07-30. Review status: criteria provided, single submitter. Criteria: ACMG Guidelines, 2015. Collection method: clinical testing. Allele origin: germline. Observed: 2 variant alleles.
Comment: BA1, BP4, BP7

Breakthrough Genomics
Classification: Benign. Review status: criteria provided, single submitter. Criteria: ACMG Guidelines, 2015. Collection method: not provided. Allele origin: germline. Inheritance: Autosomal recessive inheritance. Affected: yes.

NM_021076.4(NEFH):c.312G>A (p.Leu104=)

Gene: NEFH (neurofilament heavy chain; plus strand). Cytogenetic location: 22q12.2.
Variant type: single nucleotide variant.
Coding change: c.312G>A on transcript NM_021076.4 (MANE Select); coding-DNA position 312, G replaced by A.
Protein change: p.Leu104=; no amino-acid change (leucine 104 retained).
Molecular consequence: synonymous variant.
Genome position (GRCh38, 1-based): chr22:29,480,574, G>A. VCF-style: chr22-29480574-G-A. GRCh37 (hg19) VCF-style: chr22-29876563-G-A.
Other names: p.Leu104=.
Identifiers: ClinVar variation 789865 (VCV000789865.13), dbSNP rs375183611, ClinGen allele CA10173988.